The following is an entry in ClinVar:

ClinVar aggregate classification (germline): Likely pathogenic (1 of 4 stars; one submission).

Conditions:
X-linked Alport syndrome (ATS1). Also called: NEPHROPATHY AND DEAFNESS, X-LINKED; COL4A5-Related Nephropathy. Identifiers: Orphanet 63, Orphanet 88917, MedGen C4746986, MONDO:0010520, OMIM 301050.

Submission:

Department of Pediatric Nephrology, Children's Hospital Affiliated to Shandong University
Classification: Likely pathogenic for X-linked Alport syndrome. Last evaluated: 2026-04-15. Review status: criteria provided, single submitter. Criteria: ACMG Guidelines, 2015. Collection method: clinical testing. Allele origin: maternal. Affected: yes.
Comment: This variant is located at the third nucleotide upstream of the 5′ end of exon 38, representing a non-canonical splice site variant. According to the American College of Medical Genetics and Genomics (ACMG) guidelines, this variant was initially classified as a variant of uncertain significance (VUS) [PM2_Supporting + PP3]: PM2_Supporting-the variant was absent from normal population databases; PP3-spliceAI prediction score of 0.76, indicating an effect on splicing. No reports of this variant were identified in the literature, and no pathogenicity analysis was available in the ClinVar database. Minigene Splicing Assay： Based on the ACMG guidelines, this variant is classified as Likely Pathogenic (PS3 + PM4 + PM2_Supporting): PS3: The minigene splicing assay demonstrated that this non-canonical splice site variant causes complete skipping of exon 38, resulting in an in-frame deletion of 27 amino acids; PM4: The deleted sequence removes nine consecutive Gly-X-Y repeat units within the collagenous triple-helical domain, directly disrupting the periodic structure essential for triple-helix formation; PM2_Supporting: The variant is absent (allele frequency = 0) from normal population.

NM_033380.3(COL4A5):c.3374-3T>G

Gene: COL4A5 (collagen type IV alpha 5 chain; plus strand). Cytogenetic location: Xq22.3.
Variant type: single nucleotide variant.
Coding change: c.3374-3T>G on transcript NM_033380.3 (MANE Select); 3 bases into the intron before coding-DNA position 3374, T replaced by G.
Molecular consequence: intron variant.
Genome position (GRCh38, 1-based): chrX:108,665,504, T>G. VCF-style: chrX-108665504-T-G. GRCh37 (hg19) VCF-style: chrX-107908734-T-G.
Other names: c.3374-3T>G (NM_000495.5).
Identifiers: ClinVar variation 4850880 (VCV004850880.1).